The following is an entry in ClinVar:

NM_006946.4(SPTBN2):c.11C>A (p.Thr4Lys)

Gene: SPTBN2 (spectrin beta, non-erythrocytic 2; minus strand). Cytogenetic location: 11q13.2.
Variant type: single nucleotide variant.
Coding change: c.11C>A on transcript NM_006946.4 (MANE Select); coding-DNA position 11, C replaced by A.
Protein change: p.Thr4Lys; replaces threonine 4 with lysine.
Molecular consequence: missense variant.
Genome position (GRCh38, 1-based): chr11:66,721,230, G>T on the plus strand (C>A on the coding strand, the complement: SPTBN2 is on the minus strand). VCF-style: chr11-66721230-G-T. GRCh37 (hg19) VCF-style: chr11-66488701-G-T.
Other names: c.11C>A (NM_006946.2); short protein forms T4K.
Identifiers: ClinVar variation 2719350 (VCV002719350.5), dbSNP rs749463565, ClinGen allele CA224101734.

ClinVar aggregate classification (germline): Uncertain significance. Review status: criteria provided, multiple submitters, no conflicts (2 of 4 stars). 3 submissions from 3 submitters: Uncertain significance (2). 1 of the submissions does not count toward it. Last evaluated 2026-04-01.

Conditions:
SPTBN2-related disorder. Also called: SPTBN2-related condition.
Inborn genetic diseases. Identifiers: MedGen C0950123, MeSH D030342.

Submissions (3):

Ambry Genetics
Classification: Uncertain significance for Inborn genetic diseases. Last evaluated: 2026-04-01. Review status: criteria provided, single submitter. Criteria: Ambry Variant Classification Scheme 2023. Collection method: clinical testing. Allele origin: germline.

Labcorp Genetics (formerly Invitae), Labcorp
Classification: Uncertain significance. Last evaluated: 2023-12-23. Review status: criteria provided, single submitter. Criteria: Invitae Variant Classification Sherloc (09022015). Collection method: clinical testing. Allele origin: germline.
Comment: This sequence change replaces threonine, which is neutral and polar, with lysine, which is basic and polar, at codon 4 of the SPTBN2 protein (p.Thr4Lys). This variant is not present in population databases (gnomAD no frequency). This variant has not been reported in the literature in individuals affected with SPTBN2-related conditions. Advanced modeling of protein sequence and biophysical properties (such as structural, functional, and spatial information, amino acid conservation, physicochemical variation, residue mobility, and thermodynamic stability) performed at Invitae indicates that this missense variant is not expected to disrupt SPTBN2 protein function with a negative predictive value of 95%. In summary, the available evidence is currently insufficient to determine the role of this variant in disease. Therefore, it has been classified as a Variant of Uncertain Significance.

PreventionGenetics, part of Exact Sciences
Classification: Uncertain significance for SPTBN2-related condition. Last evaluated: 2024-07-09. Review status: no assertion criteria provided. Collection method: clinical testing. Allele origin: germline. Not counted in ClinVar's aggregate classification.
Comment: The SPTBN2 c.11C>A variant is predicted to result in the amino acid substitution p.Thr4Lys. To our knowledge, this variant has not been reported in the literature or in a large population database, indicating this variant is rare. At this time, the clinical significance of this variant is uncertain due to the absence of conclusive functional and genetic evidence.